The following is an entry in ClinVar:

NM_004380.3(CREBBP):c.5170G>A (p.Glu1724Lys)

Gene: CREBBP (CREB binding lysine acetyltransferase; minus strand). Cytogenetic location: 16p13.3.
Variant type: single nucleotide variant.
Coding change: c.5170G>A on transcript NM_004380.3 (MANE Select); coding-DNA position 5170, G replaced by A.
Protein change: p.Glu1724Lys; replaces glutamic acid 1724 with lysine.
Molecular consequence: missense variant.
Genome position (GRCh38, 1-based): chr16:3,731,194, C>T on the plus strand (G>A on the coding strand, the complement: CREBBP is on the minus strand). VCF-style: chr16-3731194-C-T. GRCh37 (hg19) VCF-style: chr16-3781195-C-T.
Other names: c.5056G>A, p.Glu1686Lys (NM_001079846.1); short protein forms E1724K, E1686K.
Identifiers: ClinVar variation 619094 (VCV000619094.3), dbSNP rs1567265131, ClinGen allele CA394557994.

ClinVar aggregate classification (germline): Pathogenic. Review status: criteria provided, single submitter (1 of 4 stars). 2 submissions from 2 submitters: Pathogenic (1). 1 of the submissions does not count toward it. Last evaluated 2025-08-05.

Conditions:
Menke-Hennekam syndrome 1 (MKHK1). Identifiers: MedGen C5193034, MONDO:0020763, OMIM 618332.

Allele frequency attached by ClinVar (database versions not stated): gnomAD exomes below 0.00001.
gnomAD v4.1: 1 of 1,611,954 alleles (0.000062%); no homozygotes.

Submissions (2):

GeneDx
Classification: Pathogenic. Last evaluated: 2025-08-05. Review status: criteria provided, single submitter. Criteria: GeneDx Variant Classification Process June 2021. Collection method: clinical testing. Allele origin: germline.
Comment: Identified as de novo in an individual with Rubinstein-Taybi syndrome; however other de novo variants in CREBBP were also identified (PMID: 20689175); In silico analysis supports that this missense variant has a deleterious effect on protein structure/function; Not observed at significant frequency in large population cohorts (gnomAD); This variant is associated with the following publications: (PMID: 34652060, 30737887, 20689175, 27311832, Xiantao2023[abstract], 38553851)

OMIM
Classification: Pathogenic for MENKE-HENNEKAM SYNDROME 1. Last evaluated: 2019-02-22. Review status: no assertion criteria provided. Collection method: literature only. Allele origin: germline. Not counted in ClinVar's aggregate classification.

Literature cited by the submitters: PubMed 30737887 (cited by OMIM).